The following is an entry in ClinVar:

ClinVar aggregate classification (germline): Uncertain significance (1 of 4 stars; one submission).

Conditions:
Severe early-onset pulmonary alveolar proteinosis due to MARS deficiency. Also called: PULMONARY ALVEOLAR PROTEINOSIS, REUNION ISLAND; Interstitial lung and liver disease. Identifiers: Orphanet 440427, MedGen C4225400, MONDO:0014206, OMIM 615486.
Charcot-Marie-Tooth disease axonal type 2U. Also called: CHARCOT-MARIE-TOOTH NEUROPATHY, TYPE 2U; CHARCOT-MARIE-TOOTH DISEASE, AXONAL, AUTOSOMAL DOMINANT, TYPE 2U. Identifiers: Orphanet 397735, MedGen C4084821, MONDO:0014566, OMIM 616280.

Allele frequency attached by ClinVar (database versions not stated): gnomAD exomes below 0.00001.
gnomAD v4.1: 1 of 1,613,870 alleles (0.000062%); highest among the groups gnomAD compares: Non-Finnish European, 0.000085%; no homozygotes.

Submission:

Labcorp Genetics (formerly Invitae), Labcorp
Classification: Uncertain significance for Charcot-Marie-Tooth disease axonal type 2U; Severe early-onset pulmonary alveolar proteinosis due to MARS deficiency. Last evaluated: 2023-11-03. Review status: criteria provided, single submitter. Criteria: Invitae Variant Classification Sherloc (09022015). Collection method: clinical testing. Allele origin: germline.
Comment: This sequence change creates a premature translational stop signal (p.Gln174*) in the MARS gene. It is expected to result in an absent or disrupted protein product. However, the current clinical and genetic evidence is not sufficient to establish whether loss-of-function variants in MARS cause disease. This variant is not present in population databases (gnomAD no frequency). This variant has not been reported in the literature in individuals affected with MARS-related conditions. In summary, the available evidence is currently insufficient to determine the role of this variant in disease. Therefore, it has been classified as a Variant of Uncertain Significance.

NM_004990.4(MARS1):c.520C>T (p.Gln174Ter)

Gene: MARS1 (methionyl-tRNA synthetase 1; plus strand). Cytogenetic location: 12q13.3.
Variant type: single nucleotide variant.
Coding change: c.520C>T on transcript NM_004990.4 (MANE Select); coding-DNA position 520, C replaced by T.
Protein change: p.Gln174Ter; replaces glutamine 174 with a stop codon.
Molecular consequence: nonsense.
Genome position (GRCh38, 1-based): chr12:57,490,236, C>T. VCF-style: chr12-57490236-C-T. GRCh37 (hg19) VCF-style: chr12-57884019-C-T.
Other names: short protein forms Q174*.
Identifiers: ClinVar variation 2953530 (VCV002953530.3), dbSNP rs2540260857, ClinGen allele CA385491840.